The following is an entry in ClinVar:

ClinVar aggregate classification (germline): Likely benign (1 of 4 stars; one submission).

Conditions:
VPS13B-related disorder. Also called: VPS13B-related condition.

gnomAD v4.1: 1 of 1,613,560 alleles (0.000062%); highest among the groups gnomAD compares: East Asian, 0.0022%; no homozygotes.

Submission:

PreventionGenetics, part of Exact Sciences
Classification: Likely benign for VPS13B-related condition. Last evaluated: 2026-02-17. Review status: criteria provided, single submitter. Criteria: ACMG Guidelines, 2015. Collection method: clinical testing. Allele origin: germline.
Comment: This variant is classified as likely benign based on ACMG/AMP sequence variant interpretation guidelines (Richards et al. 2015 PMID: 25741868, with internal and published modifications).

NM_152564.5(VPS13B):c.4101A>G (p.Val1367=)

Gene: VPS13B (vacuolar protein sorting 13 homolog B; plus strand). Cytogenetic location: 8q22.2.
Variant type: single nucleotide variant.
Coding change: c.4101A>G on transcript NM_152564.5 (MANE Select); coding-DNA position 4101, A replaced by G.
Protein change: p.Val1367=; no amino-acid change (valine 1367 retained).
Molecular consequence: synonymous variant.
Genome position (GRCh38, 1-based): chr8:99,502,894, A>G. VCF-style: chr8-99502894-A-G. GRCh37 (hg19) VCF-style: chr8-100515122-A-G.
Other names: c.4101A>G, p.Val1367= (NM_017890.5).
Identifiers: ClinVar variation 4983610 (VCV004983610.1).